The following is an entry in ClinVar:

NM_004006.3(DMD):c.5048del (p.Thr1683fs)

Gene: DMD (dystrophin; minus strand). Cytogenetic location: Xp21.1.
Variant type: Deletion.
Coding change: c.5048del on transcript NM_004006.3 (MANE Select); coding-DNA position 5048, one base deleted (C; older notation c.5048delC).
Protein change: p.Thr1683fs; shifts the reading frame from threonine 1683.
Molecular consequence: frameshift variant.
Genome position (GRCh38, 1-based): chrX:32,364,688, G deleted on the plus strand (C on the coding strand, the reverse complement: DMD is on the minus strand). VCF-style (leftmost placement, unchanged base first): chrX-32364687-AG-A. GRCh37 (hg19) VCF-style: chrX-32382804-AG-A.
Other names: c.5024del, p.Thr1675fs (NM_000109.4); c.5036del, p.Thr1679fs (NM_004009.3); c.4679del, p.Thr1560fs (NM_004010.3); c.1025del, p.Thr342fs (NM_004011.4); c.1016del, p.Thr339fs (NM_004012.4); short protein forms T1560fs, T1675fs, T1679fs, T1683fs, T339fs, T342fs.
Identifiers: ClinVar variation 2502344 (VCV002502344.4), dbSNP rs2522553272, ClinGen allele CA2580616933.

ClinVar aggregate classification (germline): Pathogenic. Review status: criteria provided, single submitter (1 of 4 stars). 2 submissions from 2 submitters: Pathogenic (1). 1 of the submissions does not count toward it. Last evaluated 2023-06-03.

Conditions:
Muscular dystrophy. Identifiers: Orphanet 98473, MedGen C0026850, MeSH D009136, MONDO:0020121, HP:0003560.
Duchenne muscular dystrophy (DMD). Also called: Duchenne Muscular Dystrophy (DMD); MUSCULAR DYSTROPHY, PSEUDOHYPERTROPHIC PROGRESSIVE, DUCHENNE TYPE. Identifiers: Orphanet 98896, MedGen C0013264, MONDO:0010679, OMIM 310200.

Submissions (2):

Labcorp Genetics (formerly Invitae), Labcorp
Classification: Pathogenic for Duchenne muscular dystrophy. Last evaluated: 2023-06-03. Review status: criteria provided, single submitter. Criteria: Invitae Variant Classification Sherloc (09022015). Collection method: clinical testing. Allele origin: germline.
Comment: For these reasons, this variant has been classified as Pathogenic. ClinVar contains an entry for this variant (Variation ID: 2502344). This variant has not been reported in the literature in individuals affected with DMD-related conditions. This variant is not present in population databases (gnomAD no frequency). This sequence change creates a premature translational stop signal (p.Thr1683Ilefs*38) in the DMD gene. It is expected to result in an absent or disrupted protein product. Loss-of-function variants in DMD are known to be pathogenic (PMID: 16770791, 25007885).

Institute of Human Genetics, University of Wuerzburg
Classification: Likely pathogenic for Muscular dystrophy. Review status: no assertion criteria provided. Collection method: clinical testing. Allele origin: unknown. Affected: yes. Observed: 1 variant allele. Not counted in ClinVar's aggregate classification.

Literature cited by the submitters: PubMed 16770791 (cited by Labcorp Genetics (formerly Invitae), Labcorp); PubMed 25007885 (cited by Labcorp Genetics (formerly Invitae), Labcorp).